The following is an entry in ClinVar:

ClinVar aggregate classification (germline): Uncertain significance. Review status: criteria provided, multiple submitters, no conflicts (2 of 4 stars). 2 submissions from 2 submitters: Uncertain significance (2). Last evaluated 2024-10-16.

Conditions:
Hereditary cancer-predisposing syndrome. Also called: Tumor predisposition; Neoplastic Syndromes, Hereditary; Hereditary Cancer Syndrome; Hereditary neoplastic syndrome. Identifiers: Orphanet 140162, MedGen C0027672, MeSH D009386, MONDO:0015356.
Rhabdoid tumor predisposition syndrome 2 (RTPS2). Identifiers: Orphanet 231108, Orphanet 69077, MedGen C2750074, MONDO:0013224, OMIM 613325.

Submissions (2):

Labcorp Genetics (formerly Invitae), Labcorp
Classification: Uncertain significance for Rhabdoid tumor predisposition syndrome 2. Last evaluated: 2024-10-16. Review status: criteria provided, single submitter. Criteria: Invitae Variant Classification Sherloc (09022015). Collection method: clinical testing. Allele origin: germline.
Comment: This sequence change replaces glycine, which is neutral and non-polar, with alanine, which is neutral and non-polar, at codon 107 of the SMARCA4 protein (p.Gly107Ala). This variant is not present in population databases (gnomAD no frequency). This variant has not been reported in the literature in individuals affected with SMARCA4-related conditions. ClinVar contains an entry for this variant (Variation ID: 1728919). Invitae Evidence Modeling of protein sequence and biophysical properties (such as structural, functional, and spatial information, amino acid conservation, physicochemical variation, residue mobility, and thermodynamic stability) has been performed for this missense variant. However, the output from this modeling did not meet the statistical confidence thresholds required to predict the impact of this variant on SMARCA4 protein function. In summary, the available evidence is currently insufficient to determine the role of this variant in disease. Therefore, it has been classified as a Variant of Uncertain Significance.

Ambry Genetics
Classification: Uncertain significance for Hereditary cancer-predisposing syndrome. Last evaluated: 2023-09-29. Review status: criteria provided, single submitter. Criteria: Ambry Variant Classification Scheme 2023. Collection method: clinical testing. Allele origin: germline.
Comment: The p.G107A variant (also known as c.320G>C), located in coding exon 2 of the SMARCA4 gene, results from a G to C substitution at nucleotide position 320. The glycine at codon 107 is replaced by alanine, an amino acid with similar properties. This amino acid position is well conserved in available vertebrate species. In addition, the in silico prediction for this alteration is inconclusive. Missense and in-frame variants in SMARCA4 are known to cause neurodevelopmental disorders; however, such associations with rhabdoid tumor predisposition syndrome including small cell carcinoma of the ovary-hypercalcemic type (SCCOHT) are exceedingly rare (Kosho T et al. Am J Med Genet C Semin Med Genet. 2014 Sep;166C(3):262-75; Jelinic P et al. Nat Genet. 2014 May;46(5):424-6). Based on the supporting evidence, the association of this alteration with Coffin-Siris syndrome is unknown; however, the association of this alteration with rhabdoid tumor predisposition syndrome is unlikely.

NM_003072.5(SMARCA4):c.320G>C (p.Gly107Ala)

Gene: SMARCA4 (SWI/SNF related BAF chromatin remodeling complex subunit ATPase 4; plus strand). Cytogenetic location: 19p13.2.
Variant type: single nucleotide variant.
Coding change: c.320G>C on transcript NM_003072.5 (MANE Select); coding-DNA position 320, G replaced by C.
Protein change: p.Gly107Ala; replaces glycine 107 with alanine.
Molecular consequence: missense variant. On other transcripts: non-coding transcript variant (1).
Genome position (GRCh38, 1-based): chr19:10,985,370, G>C. VCF-style: chr19-10985370-G-C. GRCh37 (hg19) VCF-style: chr19-11096046-G-C.
Other names: c.320G>C, p.Gly107Ala (NM_001128844.3, NM_001128845.2, NM_001128846.2 and 6 more transcripts); short protein forms G107A.
Identifiers: ClinVar variation 1728919 (VCV001728919.4), dbSNP rs2513971446, ClinGen allele CA404055288.